The following is an entry in ClinVar:

NM_032228.6(FAR1):c.1438C>A (p.Arg480Ser)

Gene: FAR1 (fatty acyl-CoA reductase 1; plus strand). Cytogenetic location: 11p15.3.
Variant type: single nucleotide variant.
Coding change: c.1438C>A on transcript NM_032228.6 (MANE Select); coding-DNA position 1438, C replaced by A.
Protein change: p.Arg480Ser; replaces arginine 480 with serine.
Molecular consequence: missense variant.
Genome position (GRCh38, 1-based): chr11:13,728,664, C>A. VCF-style: chr11-13728664-C-A. GRCh37 (hg19) VCF-style: chr11-13750211-C-A.
Other names: Arg480Ser; short protein forms R480S.
Identifiers: ClinVar variation 2445439 (VCV002445439.2), dbSNP rs12799308, ClinGen allele CA379859372.

ClinVar aggregate classification (germline): Likely pathogenic (1 of 4 stars; one submission).

Conditions:
Spastic paraparesis-cataracts-speech delay syndrome (CSPSD). Also called: CATARACTS, SPASTIC PARAPARESIS, AND SPEECH DELAY. Identifiers: Orphanet 615938, MedGen C5543440, MONDO:0036212, OMIM 619338.

Allele frequency attached by ClinVar (database versions not stated): TOPMed below 0.00001.

Submission:

Department of Medical Genetics, Sanjay Gandhi Post Graduate Institute of Medical Sciences
Classification: Likely pathogenic for Spastic paraparesis-cataracts-speech delay syndrome. Last evaluated: 2020-01-03. Review status: criteria provided, single submitter. Criteria: ACMG Guidelines, 2015. Collection method: clinical testing. Allele origin: de novo. Inheritance: Autosomal dominant inheritance. Affected: yes. Observed: 1 heterozygote.
Comment: This variant was identified in the same codon (Arg480) previously reported by Ferdinandusse et al., 2021 (PMID: 33239752).